The following is an entry in ClinVar:

ClinVar aggregate classification (germline): Pathogenic (1 of 4 stars; one submission).

Conditions:
Familial adenomatous polyposis 4 (FAP4). Also called: MSH3-related attenuated familial adenomatous polyposis. Identifiers: Orphanet 480536, MedGen C4310719, MONDO:0044300, OMIM 617100.

Submission:

Myriad Genetics, Inc.
Classification: Pathogenic for Familial adenomatous polyposis 4. Last evaluated: 2026-02-11. Review status: criteria provided, single submitter. Criteria: Myriad Autosomal Dominant, Autosomal Recessive and X-Linked Classification Criteria (2023). Collection method: clinical testing. Allele origin: unknown.
Comment: This variant is considered pathogenic. This variant creates a frameshift predicted to result in premature protein truncation.

NM_002439.5(MSH3):c.1018_1020delinsC (p.Ile340fs)

Genes: MSH3 (mutS homolog 3; plus strand), LOC126807437 (MED14-independent group 3 enhancer GRCh37_chr5:79968379-79969578; plus strand). Cytogenetic location: 5q14.1.
Variant type: Indel.
Coding change: c.1018_1020delinsC on transcript NM_002439.5 (MANE Select); coding-DNA positions 1018 to 1020, ATT replaced by C.
Protein change: p.Ile340fs; shifts the reading frame from isoleucine 340.
Molecular consequence: frameshift variant.
Genome position (GRCh38, 1-based): chr5:80,672,849-80,672,851, ATT replaced by C. VCF-style: chr5-80672849-ATT-C. GRCh37 (hg19) VCF-style: chr5-79968668-ATT-C.
Other names: short protein forms I340fs.
Identifiers: ClinVar variation 4856739 (VCV004856739.1).